The following is an entry in ClinVar:

NM_004539.4(NARS1):c.1564C>T (p.Arg522Ter)

Gene: NARS1 (asparaginyl-tRNA synthetase 1; minus strand). Cytogenetic location: 18q21.31.
Variant type: single nucleotide variant.
Coding change: c.1564C>T on transcript NM_004539.4 (MANE Select); coding-DNA position 1564, C replaced by T.
Protein change: p.Arg522Ter; replaces arginine 522 with a stop codon.
Molecular consequence: nonsense.
Genome position (GRCh38, 1-based): chr18:57,601,735, G>A on the plus strand (C>T on the coding strand, the complement: NARS1 is on the minus strand). VCF-style: chr18-57601735-G-A. GRCh37 (hg19) VCF-style: chr18-55268967-G-A.
Other names: c.1564C>T (NM_004539.3); short protein forms R522*.
Identifiers: ClinVar variation 1700050 (VCV001700050.4), dbSNP rs747737475, ClinGen allele CA8973374.
Genomic context (GRCh38, chr18:57,601,735, plus strand): 5'-ATCGAGGGTATAAGCACACGTCTCGGATGTGATACCTATTCAGAATCCACGTTAAGAATC[G>A]TTCCAAGCCCAAGCCATATCCTCCATGGGGACATGTACCGTATTTTCTCTGTTTAAAAAA-3'

ClinVar aggregate classification (germline): Conflicting classifications of pathogenicity. Review status: criteria provided, conflicting classifications (1 of 4 stars). 4 submissions from 4 submitters: Pathogenic (1); Likely pathogenic (2); Uncertain significance (1). Last evaluated 2026-02-11.

Conditions:
Neurodevelopmental disorder with microcephaly, impaired language, and gait abnormalities. Identifiers: MedGen C5436783, MONDO:0100348, OMIM 619091.
Neurodevelopmental disorder with microcephaly, impaired language, epilepsy, and gait abnormalities. Identifiers: MedGen C5436788, MONDO:0030837, OMIM 619092.

Allele frequency attached by ClinVar (database versions not stated): ExAC 0.00002; gnomAD exomes 0.00002.
gnomAD v4.1: 24 of 1,613,330 alleles (0.0015%); highest among the groups gnomAD compares: South Asian, 0.0044%; no homozygotes.

Submissions (4):

GeneDx
Classification: Uncertain significance. Last evaluated: 2026-02-11. Review status: criteria provided, single submitter. Criteria: GeneDx Variant Classification Process June 2021. Collection method: clinical testing. Allele origin: germline.
Comment: Nonsense variant predicted to result in protein truncation, as the last 27 amino acid(s) are lost, and other loss-of-function variants have been reported downstream in HGMD; Has not been previously published as pathogenic or benign to our knowledge

Institute of Human Genetics Munich, TUM University Hospital
Classification: Pathogenic for Neurodevelopmental disorder with microcephaly, impaired language, and gait abnormalities. Last evaluated: 2023-05-26. Review status: criteria provided, single submitter. Criteria: Classification criteria August 2017. Collection method: clinical testing. Allele origin: paternal. Inheritance: Autosomal recessive inheritance. Affected: yes. Observed: 1 variant allele.

Centre de Biologie Pathologie Génétique, Centre Hospitalier Universitaire de Lille
Classification: Likely pathogenic for Neurodevelopmental disorder with microcephaly, impaired language, and gait abnormalities. Review status: criteria provided, single submitter. Criteria: ACMG Guidelines, 2015. Collection method: clinical testing. Allele origin: inherited. Affected: yes.

Solve-RD Consortium
Classification: Likely pathogenic for Neurodevelopmental disorder with microcephaly, impaired language, epilepsy, and gait abnormalities. Review status: criteria provided, single submitter. Criteria: ACMG Guidelines, 2015. Collection method: provider interpretation. Allele origin: germline. Inheritance: Autosomal dominant inheritance. Affected: yes. Study: Solve-RD DIFT-EpiCARE reanalysis.
Comment: PVS1, PM2

Variant identified during reanalysis of unsolved cases by the Solve-RD project. The Solve-RD project has received funding from the European Union’s Horizon 2020 research and innovation programme under grant agreement No 779257.